The following is an entry in ClinVar:

NM_015271.5(TRIM2):c.444C>T (p.His148=)

Gene: TRIM2 (tripartite motif containing 2; plus strand). Cytogenetic location: 4q31.3.
Variant type: single nucleotide variant.
Coding change: c.444C>T on transcript NM_015271.5 (MANE Select); coding-DNA position 444, C replaced by T.
Protein change: p.His148=; no amino-acid change (histidine 148 retained).
Molecular consequence: synonymous variant. On other transcripts: 5 prime UTR variant (1).
Genome position (GRCh38, 1-based): chr4:153,276,121, C>T. VCF-style: chr4-153276121-C-T. GRCh37 (hg19) VCF-style: chr4-154197273-C-T.
Other names: p.His121=; c.363C>T, p.His121= (NM_001375514.1, NM_001375515.1, NM_001375516.1 and 5 more transcripts); c.444C>T, p.His148= (NM_001375519.1, NM_001302692.2, NM_001375488.1 and 1 more transcripts); c.441C>T, p.His147= (NM_001375520.1, NM_001302693.2, NM_001375489.1 and 1 more transcripts); c.105C>T, p.His35= (NM_001375522.1, NM_001375523.1, NM_001375525.1); c.417C>T, p.His139= (NM_001302694.2, NM_001351054.2); c.414C>T, p.His138= (NM_001351055.2); c.-114C>T (NM_001351057.2).
Identifiers: ClinVar variation 541517 (VCV000541517.13), dbSNP rs771241708, ClinGen allele CA3108525.

ClinVar aggregate classification (germline): Likely benign. Review status: criteria provided, multiple submitters, no conflicts (2 of 4 stars). 3 submissions from 3 submitters: Likely benign (3). Last evaluated 2025-11-08.

Conditions:
Charcot-Marie-Tooth disease type 2R. Also called: CHARCOT-MARIE-TOOTH DISEASE, AXONAL, AUTOSOMAL RECESSIVE, TYPE 2R; Charcot-Marie-Tooth disease, axonal, type 2R; CHARCOT-MARIE-TOOTH NEUROPATHY, TYPE 2R. Identifiers: Orphanet 397968, MedGen C3809655, MONDO:0014208, OMIM 615490.

Allele frequency attached by ClinVar (database versions not stated): gnomAD exomes 0.00009 and 0.00017; gnomAD 0.00010; ExAC 0.00012; TOPMed 0.00018.
gnomAD v4.1: 159 of 1,613,876 alleles (0.0099%); highest among the groups gnomAD compares: Non-Finnish European, 0.0032%; 1 homozygote.

Submissions (3):

Labcorp Genetics (formerly Invitae), Labcorp
Classification: Likely benign for Charcot-Marie-Tooth disease type 2R. Last evaluated: 2025-11-08. Review status: criteria provided, single submitter. Criteria: Invitae Variant Classification Sherloc (09022015). Collection method: clinical testing. Allele origin: germline.

Mayo Clinic Laboratories, Mayo Clinic
Classification: Likely benign. Last evaluated: 2025-08-27. Review status: criteria provided, single submitter. Criteria: ACMG Guidelines, 2015. Collection method: clinical testing. Allele origin: germline. Observed: 2 variant alleles.
Comment: BP4, BP7

Breakthrough Genomics
Classification: Likely benign. Review status: criteria provided, single submitter. Criteria: ACMG Guidelines, 2015. Collection method: not provided. Allele origin: germline. Inheritance: Autosomal recessive inheritance. Affected: yes.